The following is an entry in ClinVar:

NM_000368.5(TSC1):c.1998-14A>C

Gene: TSC1 (TSC complex subunit 1; minus strand). Cytogenetic location: 9q34.13.
Variant type: single nucleotide variant.
Coding change: c.1998-14A>C on transcript NM_000368.5 (MANE Select); 14 bases into the intron before coding-DNA position 1998, A replaced by C.
Molecular consequence: intron variant.
Genome position (GRCh38, 1-based): chr9:132,904,468, T>G on the plus strand (A>C on the coding strand, the complement: TSC1 is on the minus strand). VCF-style: chr9-132904468-T-G. GRCh37 (hg19) VCF-style: chr9-135779855-T-G.
Other names: c.1635-14A>C (NM_001362177.2); c.1845-14A>C (NM_001162427.2); c.1995-14A>C (NM_001162426.2).
Identifiers: ClinVar variation 2035726 (VCV002035726.5), dbSNP rs1845549826, ClinGen allele CA1882412377.

ClinVar aggregate classification (germline): Likely benign. Review status: criteria provided, multiple submitters, no conflicts (2 of 4 stars). 2 submissions from 2 submitters: Likely benign (2). Last evaluated 2025-04-24.

Conditions:
Tuberous sclerosis 1 (TSC1). Identifiers: Orphanet 805, MedGen C1854465, MONDO:0008612, OMIM 191100.

Allele frequency attached by ClinVar (database versions not stated): TOPMed below 0.00001.

Submissions (2):

Myriad Genetics, Inc.
Classification: Likely benign for Tuberous sclerosis 1. Last evaluated: 2025-04-24. Review status: criteria provided, single submitter. Criteria: Myriad Autosomal Dominant, Autosomal Recessive and X-Linked Classification Criteria (2023). Collection method: clinical testing. Allele origin: unknown.
Comment: This variant is considered likely benign. This variant is intronic and is not expected to impact mRNA splicing.

Labcorp Genetics (formerly Invitae), Labcorp
Classification: Likely benign for Tuberous sclerosis 1. Last evaluated: 2023-07-28. Review status: criteria provided, single submitter. Criteria: Invitae Variant Classification Sherloc (09022015). Collection method: clinical testing. Allele origin: germline.